The following is an entry in ClinVar:

NM_015909.4(NBAS):c.4492G>A (p.Val1498Ile)

Gene: NBAS (NBAS subunit of NRZ tethering complex; minus strand). Cytogenetic location: 2p24.3.
Variant type: single nucleotide variant.
Coding change: c.4492G>A on transcript NM_015909.4 (MANE Select); coding-DNA position 4492, G replaced by A.
Protein change: p.Val1498Ile; replaces valine 1498 with isoleucine.
Molecular consequence: missense variant. On other transcripts: non-coding transcript variant (1).
Genome position (GRCh38, 1-based): chr2:15,327,840, C>T on the plus strand (G>A on the coding strand, the complement: NBAS is on the minus strand). VCF-style: chr2-15327840-C-T. GRCh37 (hg19) VCF-style: chr2-15467964-C-T.
Other names: short protein forms V1498I.
Identifiers: ClinVar variation 2095252 (VCV002095252.1), dbSNP rs2528403863, ClinGen allele CA345895596.

ClinVar aggregate classification (germline): Uncertain significance (1 of 4 stars; one submission).

Submission:

Labcorp Genetics (formerly Invitae), Labcorp
Classification: Uncertain significance. Last evaluated: 2022-05-14. Review status: criteria provided, single submitter. Criteria: Invitae Variant Classification Sherloc (09022015). Collection method: clinical testing. Allele origin: germline.
Comment: This sequence change replaces valine, which is neutral and non-polar, with isoleucine, which is neutral and non-polar, at codon 1498 of the NBAS protein (p.Val1498Ile). This variant is not present in population databases (gnomAD no frequency). This variant has not been reported in the literature in individuals affected with NBAS-related conditions. Algorithms developed to predict the effect of missense changes on protein structure and function output the following: SIFT: "Deleterious"; PolyPhen-2: "Benign"; Align-GVGD: "Class C0". The isoleucine amino acid residue is found in multiple mammalian species, which suggests that this missense change does not adversely affect protein function. In summary, the available evidence is currently insufficient to determine the role of this variant in disease. Therefore, it has been classified as a Variant of Uncertain Significance.